The following is an entry in ClinVar:

NM_013435.3(RAX):c.800C>T (p.Ala267Val)

Gene: RAX (retina and anterior neural fold homeobox; minus strand). Cytogenetic location: 18q21.32.
Variant type: single nucleotide variant.
Coding change: c.800C>T on transcript NM_013435.3 (MANE Select); coding-DNA position 800, C replaced by T.
Protein change: p.Ala267Val; replaces alanine 267 with valine.
Molecular consequence: missense variant.
Genome position (GRCh38, 1-based): chr18:59,269,245, G>A on the plus strand (C>T on the coding strand, the complement: RAX is on the minus strand). VCF-style: chr18-59269245-G-A. GRCh37 (hg19) VCF-style: chr18-56936477-G-A.
Other names: short protein forms A267V.
Identifiers: ClinVar variation 959738 (VCV000959738.10), dbSNP rs760516983, ClinGen allele CA8979269.

ClinVar aggregate classification (germline): Uncertain significance. Review status: criteria provided, multiple submitters, no conflicts (2 of 4 stars). 2 submissions from 2 submitters: Uncertain significance (2). Last evaluated 2024-02-28.

Conditions:
Inborn genetic diseases. Identifiers: MedGen C0950123, MeSH D030342.
Isolated microphthalmia 3 (MCOPS16). Also called: MICROPHTHALMIA, SYNDROMIC 16. Identifiers: Orphanet 2542, MedGen C5774181, MONDO:0012604, OMIM 611038.

Allele frequency attached by ClinVar (database versions not stated): gnomAD exomes 0.00014; gnomAD 0.00018 and 0.00019; ExAC 0.00022; TOPMed 0.00025.

Submissions (2):

Ambry Genetics
Classification: Uncertain significance for Inborn genetic diseases. Last evaluated: 2024-02-28. Review status: criteria provided, single submitter. Criteria: Ambry Variant Classification Scheme 2023. Collection method: clinical testing. Allele origin: germline.

Labcorp Genetics (formerly Invitae), Labcorp
Classification: Uncertain significance for Isolated microphthalmia 3. Last evaluated: 2022-04-28. Review status: criteria provided, single submitter. Criteria: Invitae Variant Classification Sherloc (09022015). Collection method: clinical testing. Allele origin: germline.
Comment: Algorithms developed to predict the effect of missense changes on protein structure and function output the following: SIFT: "Tolerated"; PolyPhen-2: "Benign"; Align-GVGD: "Class C0". The valine amino acid residue is found in multiple mammalian species, which suggests that this missense change does not adversely affect protein function. Algorithms developed to predict the effect of sequence changes on RNA splicing suggest that this variant may create or strengthen a splice site. In summary, the available evidence is currently insufficient to determine the role of this variant in disease. Therefore, it has been classified as a Variant of Uncertain Significance. This sequence change replaces alanine, which is neutral and non-polar, with valine, which is neutral and non-polar, at codon 267 of the RAX protein (p.Ala267Val). This variant is present in population databases (rs760516983, gnomAD 0.05%). This variant has not been reported in the literature in individuals affected with RAX-related conditions. ClinVar contains an entry for this variant (Variation ID: 959738).